The following is an entry in ClinVar:

NM_004171.4(SLC1A2):c.847A>G (p.Met283Val)

Gene: SLC1A2 (solute carrier family 1 member 2; minus strand). Cytogenetic location: 11p13.
Variant type: single nucleotide variant.
Coding change: c.847A>G on transcript NM_004171.4 (MANE Select); coding-DNA position 847, A replaced by G.
Protein change: p.Met283Val; replaces methionine 283 with valine.
Molecular consequence: missense variant.
Genome position (GRCh38, 1-based): chr11:35,301,529, T>C on the plus strand (A>G on the coding strand, the complement: SLC1A2 is on the minus strand). VCF-style: chr11-35301529-T-C. GRCh37 (hg19) VCF-style: chr11-35323076-T-C.
Other names: c.820A>G, p.Met274Val (NM_001195728.3, NM_001252652.2); short protein forms M274V, M283V.
Identifiers: ClinVar variation 1704085 (VCV001704085.2), dbSNP rs2497829311, ClinGen allele CA380126004.

ClinVar aggregate classification (germline): Uncertain significance (1 of 4 stars; one submission).

Submission:

GeneDx
Classification: Uncertain significance. Last evaluated: 2022-03-01. Review status: criteria provided, single submitter. Criteria: GeneDx Variant Classification Process June 2021. Collection method: clinical testing. Allele origin: germline. Affected: yes.
Comment: Not observed at significant frequency in large population cohorts (gnomAD); In silico analysis supports that this missense variant does not alter protein structure/function; Has not been previously published as pathogenic or benign to our knowledge